The following is an entry in ClinVar:

NM_015717.5(CD207):c.711T>C (p.Ser237=)

Gene: CD207 (CD207 molecule; minus strand). Cytogenetic location: 2p13.3.
Variant type: single nucleotide variant.
Coding change: c.711T>C on transcript NM_015717.5 (MANE Select); coding-DNA position 711, T replaced by C.
Protein change: p.Ser237=; no amino-acid change (serine 237 retained).
Molecular consequence: synonymous variant.
Genome position (GRCh38, 1-based): chr2:70,832,906, A>G on the plus strand (T>C on the coding strand, the complement: CD207 is on the minus strand). VCF-style: chr2-70832906-A-G. GRCh37 (hg19) VCF-style: chr2-71060037-A-G.
Identifiers: ClinVar variation 3059699 (VCV003059699.2), dbSNP rs6712863, ClinGen allele CA1700336.

ClinVar aggregate classification (germline): Benign (0 of 4 stars; one submission).

Conditions:
CD207-related disorder. Also called: CD207-related condition.

Allele frequency attached by ClinVar (database versions not stated): gnomAD exomes 0.09033; ExAC 0.10526; ESP Exome Variant Server 0.13582; gnomAD 0.14038; TOPMed 0.14606; 1000 Genomes Project 30x 0.17146; 1000 Genomes Project 0.17292.
gnomAD v4.1: 154,110 of 1,612,684 alleles (9.6%); highest among the groups gnomAD compares: African/African-American, 29%; 9,552 homozygotes.

Submission:

PreventionGenetics, part of Exact Sciences
Classification: Benign for CD207-related condition. Last evaluated: 2019-11-06. Review status: no assertion criteria provided. Collection method: clinical testing. Allele origin: germline.
Comment: This variant is classified as benign based on ACMG/AMP sequence variant interpretation guidelines (Richards et al. 2015 PMID: 25741868, with internal and published modifications).